The following is an entry in ClinVar:

NM_001111.5(ADAR):c.2885+1G>A

Gene: ADAR (adenosine deaminase RNA specific; minus strand). Cytogenetic location: 1q21.3.
Variant type: single nucleotide variant.
Coding change: c.2885+1G>A on transcript NM_001111.5 (MANE Select); the canonical splice donor site of the intron after coding-DNA position 2885, G replaced by A.
Molecular consequence: splice donor variant.
Genome position (GRCh38, 1-based): chr1:154,588,550, C>T on the plus strand (G>A on the coding strand, the complement: ADAR is on the minus strand). VCF-style: chr1-154588550-C-T. GRCh37 (hg19) VCF-style: chr1-154561026-C-T.
Other names: c.2000+1G>A (NM_001365046.1, NM_001025107.3, NM_001365048.1 and 2 more transcripts); c.2912+1G>A (NM_001365045.1); c.1922+1G>A (NM_001365049.1); c.2750+1G>A (NM_015841.4); c.2807+1G>A (NM_015840.4).
Identifiers: ClinVar variation 2444054 (VCV002444054.2), dbSNP rs112563989, ClinGen allele CA342636223.

ClinVar aggregate classification (germline): Likely pathogenic. Review status: criteria provided, multiple submitters, no conflicts (2 of 4 stars). 2 submissions from 2 submitters: Likely pathogenic (2). Last evaluated 2025-08-18.

Conditions:
Symmetrical dyschromatosis of extremities (DSH). Also called: Dyschromatosis symmetrica hereditaria; RETICULATE ACROPIGMENTATION OF DOHI; SYMMETRIC DYSCHROMATOSIS OF THE EXTREMITIES; DYSCHROMATOSIS SYMMETRICA HEREDITARIA 1. Identifiers: Orphanet 41, MedGen C0406775, MONDO:0007483, OMIM 127400.
Aicardi-Goutieres syndrome 6 (AGS6). Identifiers: Orphanet 51, MedGen C3539013, MONDO:0014007, OMIM 615010.

Allele frequency attached by ClinVar (database versions not stated): TOPMed below 0.00001.

Submissions (2):

Labcorp Genetics (formerly Invitae), Labcorp
Classification: Likely pathogenic for Aicardi-Goutieres syndrome 6; Symmetrical dyschromatosis of extremities. Last evaluated: 2025-08-18. Review status: criteria provided, single submitter. Criteria: Invitae Variant Classification Sherloc (09022015). Collection method: clinical testing. Allele origin: germline.
Comment: This sequence change affects a donor splice site in intron 10 of the ADAR gene. It is expected to disrupt RNA splicing. Variants that disrupt the donor or acceptor splice site typically lead to a loss of protein function (PMID: 16199547), and loss-of-function variants in ADAR are known to be pathogenic (PMID: 22974014). This variant is not present in population databases (gnomAD no frequency). This variant has not been reported in the literature in individuals affected with ADAR-related conditions. ClinVar contains an entry for this variant (Variation ID: 2444054). Algorithms developed to predict the effect of sequence changes on RNA splicing suggest that this variant may disrupt the consensus splice site. In summary, the currently available evidence indicates that the variant is pathogenic, but additional data are needed to prove that conclusively. Therefore, this variant has been classified as Likely Pathogenic.

3billion
Classification: Likely pathogenic for Symmetrical dyschromatosis of extremities. Last evaluated: 2023-02-23. Review status: criteria provided, single submitter. Criteria: ACMG Guidelines, 2015. Collection method: clinical testing. Allele origin: unknown. Affected: yes.
Comment: The variant is not observed in the gnomAD v2.1.1 dataset. This variant was predicted to alter splicing and result in a loss or disruption of normal protein function. Multiple pathogenic loss-of-function variants are reported downstream of the variant. Therefore, this variant is classified as Likely pathogenic according to the recommendation of ACMG/AMP guideline.

Literature cited by the submitters: PubMed 16199547 (cited by Labcorp Genetics (formerly Invitae), Labcorp); PubMed 22974014 (cited by Labcorp Genetics (formerly Invitae), Labcorp).